The following is an entry in ClinVar:

NM_002617.4(PEX10):c.601-25G>A

Gene: PEX10 (peroxisomal biogenesis factor 10; minus strand). Cytogenetic location: 1p36.32.
Variant type: single nucleotide variant.
Coding change: c.601-25G>A on transcript NM_002617.4 (MANE Select); 25 bases into the intron before coding-DNA position 601, G replaced by A.
Molecular consequence: intron variant. On other transcripts: missense variant (3).
Genome position (GRCh38, 1-based): chr1:2,406,920, C>T on the plus strand (G>A on the coding strand, the complement: PEX10 is on the minus strand). VCF-style: chr1-2406920-C-T. GRCh37 (hg19) VCF-style: chr1-2338359-C-T.
Other names: c.633G>A, p.Met211Ile (NM_001374425.1); c.201G>A, p.Met67Ile (NM_001374426.1); c.636G>A, p.Met212Ile (NM_153818.2); c.169-25G>A (NM_001374427.1); short protein forms M67I, M212I, M211I.
Identifiers: ClinVar variation 2111109 (VCV002111109.4), dbSNP rs1209346667, ClinGen allele CA337985887.

ClinVar aggregate classification (germline): Uncertain significance (1 of 4 stars; one submission).

Conditions:
Peroxisome biogenesis disorder, complementation group 7 (CG7). Also called: Peroxisome biogenesis disorder, complementation group B. Identifiers: MedGen C1864399.

Allele frequency attached by ClinVar (database versions not stated): gnomAD exomes below 0.00001.
gnomAD v4.1: 1 of 1,602,750 alleles (0.000062%); highest among the groups gnomAD compares: South Asian, 0.0011%; no homozygotes.

Submission:

Labcorp Genetics (formerly Invitae), Labcorp
Classification: Uncertain significance for Peroxisome biogenesis disorder, complementation group 7. Last evaluated: 2024-10-30. Review status: criteria provided, single submitter. Criteria: Invitae Variant Classification Sherloc (09022015). Collection method: clinical testing. Allele origin: germline.
Comment: This sequence change replaces methionine, which is neutral and non-polar, with isoleucine, which is neutral and non-polar, at codon 212 of the PEX10 protein (p.Met212Ile). The frequency data for this variant in the population databases is considered unreliable, as metrics indicate poor data quality at this position in the gnomAD database. This variant has not been reported in the literature in individuals affected with PEX10-related conditions. ClinVar contains an entry for this variant (Variation ID: 2111109). An algorithm developed to predict the effect of missense changes on protein structure and function outputs the following: PolyPhen-2: "Benign". The isoleucine amino acid residue is found in multiple mammalian species, which suggests that this missense change does not adversely affect protein function. In summary, the available evidence is currently insufficient to determine the role of this variant in disease. Therefore, it has been classified as a Variant of Uncertain Significance.